The following is an entry in ClinVar:

ClinVar aggregate classification (germline): Conflicting classifications of pathogenicity. Review status: criteria provided, conflicting classifications (1 of 4 stars). 2 submissions from 2 submitters: Uncertain significance (1); Likely benign (1). Last evaluated 2026-06-12.

Allele frequency attached by ClinVar (database versions not stated): ExAC 0.00003; TOPMed 0.00007; gnomAD exomes 0.00001; gnomAD 0.00006; ESP Exome Variant Server 0.00019.
gnomAD v4.1: 10 of 1,209,628 alleles (0.00083%); highest among the groups gnomAD compares: African/African-American, 0.018%; no homozygotes.

Submissions (2):

Women's Health and Genetics/Laboratory Corporation of America, LabCorp
Classification: Likely benign. Last evaluated: 2026-06-12. Review status: criteria provided, single submitter. Criteria: LabCorp Variant Classification Summary - May 2015. Collection method: clinical testing. Allele origin: germline.

Labcorp Genetics (formerly Invitae), Labcorp
Classification: Uncertain significance. Last evaluated: 2025-03-12. Review status: criteria provided, single submitter. Criteria: Invitae Variant Classification Sherloc (09022015). Collection method: clinical testing. Allele origin: germline.
Comment: This sequence change affects codon 175 of the RNF113A mRNA. It is a 'silent' change, meaning that it does not change the encoded amino acid sequence of the RNF113A protein. This variant is present in population databases (rs150014986, gnomAD 0.02%). This variant has not been reported in the literature in individuals affected with RNF113A-related conditions. ClinVar contains an entry for this variant (Variation ID: 2972836). In summary, the available evidence is currently insufficient to determine the role of this variant in disease. Therefore, it has been classified as a Variant of Uncertain Significance.

NM_006978.3(RNF113A):c.525C>T (p.Ser175=)

Gene: RNF113A (ring finger protein 113A; minus strand). Cytogenetic location: Xq24.
Variant type: single nucleotide variant.
Coding change: c.525C>T on transcript NM_006978.3 (MANE Select); coding-DNA position 525, C replaced by T.
Protein change: p.Ser175=; no amino-acid change (serine 175 retained).
Molecular consequence: synonymous variant.
Genome position (GRCh38, 1-based): chrX:119,871,089, G>A on the plus strand (C>T on the coding strand, the complement: RNF113A is on the minus strand). VCF-style: chrX-119871089-G-A. GRCh37 (hg19) VCF-style: chrX-119005052-G-A.
Identifiers: ClinVar variation 2972836 (VCV002972836.4), dbSNP rs150014986, ClinGen allele CA10503456.